The following is an entry in ClinVar:

ClinVar aggregate classification (germline): Conflicting classifications of pathogenicity. Review status: criteria provided, conflicting classifications (1 of 4 stars). 2 submissions from 2 submitters: Uncertain significance (1); Likely benign (1). Last evaluated 2026-01-19.

Conditions:
Neuroblastoma, susceptibility to, 3. Also called: ALK-Related Neuroblastic Tumor Susceptibility. Identifiers: Orphanet 635, MedGen C2751681, MONDO:0013083, OMIM 613014.
Hereditary cancer-predisposing syndrome. Also called: Neoplastic Syndromes, Hereditary; Hereditary Cancer Syndrome; Hereditary neoplastic syndrome; Tumor predisposition. Identifiers: Orphanet 140162, MedGen C0027672, MeSH D009386, MONDO:0015356.

Allele frequency attached by ClinVar (database versions not stated): gnomAD 0.00001.
gnomAD v4.1: 3 of 1,613,794 alleles (0.00019%); highest among the groups gnomAD compares: Non-Finnish European, 0.00025%; no homozygotes.

Submissions (2):

Labcorp Genetics (formerly Invitae), Labcorp
Classification: Likely benign for Neuroblastoma, susceptibility to, 3. Last evaluated: 2026-01-19. Review status: criteria provided, single submitter. Criteria: Invitae Variant Classification Sherloc (09022015). Collection method: clinical testing. Allele origin: germline.

Ambry Genetics
Classification: Uncertain significance for Hereditary cancer-predisposing syndrome. Last evaluated: 2025-04-23. Review status: criteria provided, single submitter. Criteria: Ambry Variant Classification Scheme 2023. Collection method: clinical testing. Allele origin: germline.
Comment: The c.4165-5G>T intronic variant results from a G to T substitution 5 nucleotides upstream from coding exon 29 in the ALK gene. This nucleotide position is not well conserved in available vertebrate species. In silico splice site analysis predicts that this alteration will not have any significant effect on splicing. Based on the available evidence, the clinical significance of this variant remains unclear.

NM_004304.5(ALK):c.4165-5G>T

Gene: ALK (ALK receptor tyrosine kinase; minus strand). Cytogenetic location: 2p23.2.
Variant type: single nucleotide variant.
Coding change: c.4165-5G>T on transcript NM_004304.5 (MANE Select); 5 bases into the intron before coding-DNA position 4165, G replaced by T.
Molecular consequence: intron variant.
Genome position (GRCh38, 1-based): chr2:29,193,927, C>A on the plus strand (G>T on the coding strand, the complement: ALK is on the minus strand). VCF-style: chr2-29193927-C-A. GRCh37 (hg19) VCF-style: chr2-29416793-C-A.
Other names: c.4165-5G>T (NM_004304.4); c.961-5G>T (NM_001353765.2).
Identifiers: ClinVar variation 1121652 (VCV001121652.10), dbSNP rs1668958083, ClinGen allele CA1028814160.